The following is an entry in ClinVar:

NM_000053.4(ATP7B):c.1802C>T (p.Thr601Ile)

Gene: ATP7B (ATPase copper transporting beta; minus strand). Cytogenetic location: 13q14.3.
Variant type: single nucleotide variant.
Coding change: c.1802C>T on transcript NM_000053.4 (MANE Select); coding-DNA position 1802, C replaced by T.
Protein change: p.Thr601Ile; replaces threonine 601 with isoleucine.
Molecular consequence: missense variant. On other transcripts: intron variant (3).
Genome position (GRCh38, 1-based): chr13:51,964,939, G>A on the plus strand (C>T on the coding strand, the complement: ATP7B is on the minus strand). VCF-style: chr13-51964939-G-A. GRCh37 (hg19) VCF-style: chr13-52539075-G-A.
Other names: c.1802C>T, p.Thr601Ile (NM_001406537.1, NM_001406538.1, NM_001406540.1 and 24 more transcripts); c.1373C>T, p.Thr458Ile (NM_001406539.1); c.1706C>T, p.Thr569Ile (NM_001406543.1, NM_001406544.1, NM_001406517.1 and 3 more transcripts); c.1285+8996C>T (NM_001406548.1); c.1707+3505C>T (NM_001406547.1, NM_001406545.1); c.1469C>T, p.Thr490Ile (NM_001243182.2); c.1769C>T, p.Thr590Ile (NM_001406514.1, NM_001406524.1); short protein forms T458I, T569I, T490I, T601I, T590I.
Identifiers: ClinVar variation 3576312 (VCV003576312.2).
Genomic context (GRCh38, chr13:51,964,939, plus strand): 5'-ATTTTGATAATATCCCGTGGACCGATAATTTCCGGGTCAAACTTAACAAGGGCTTTGCTG[G>A]TGGCAAGGGCAACGGAGGCATAAGTGATGCCATTTGTCCTCGTGAGTTTGGACTCTATGT-3'
Protein context (NP_000044.2, residues 591-611): GITYASVALA[Thr601Ile]SKALVKFDPE

ClinVar aggregate classification (germline): Uncertain significance. Review status: criteria provided, multiple submitters, no conflicts (2 of 4 stars). 2 submissions from 2 submitters: Uncertain significance (2). Last evaluated 2025-06-19.

Conditions:
Wilson disease (WND). Also called: Wilson's disease. Identifiers: Orphanet 905, MedGen C0019202, MONDO:0010200, OMIM 277900. Disease mechanism: loss of function.

gnomAD v4.1: 5 of 1,614,134 alleles (0.00031%); highest among the groups gnomAD compares: South Asian, 0.0044%; no homozygotes.

Submissions (2):

Color Diagnostics, LLC DBA Color Health
Classification: Uncertain significance for Wilson disease. Last evaluated: 2025-06-19. Review status: criteria provided, single submitter. Criteria: ACMG Guidelines, 2015. Collection method: clinical testing. Allele origin: germline.
Comment: This missense variant replaces threonine with isoleucine at codon 601 of the ATP7B protein. Computational prediction suggests that this variant may have deleterious impact on protein structure and function. To our knowledge, functional studies have not been reported for this variant. This variant has been reported in an individual affected with chronic liver disease (PMID: 36096368). This variant has not been identified in the general population by the Genome Aggregation Database (gnomAD). The available evidence is insufficient to determine the role of this variant in disease conclusively. Therefore, this variant is classified as a Variant of Uncertain Significance.

Fulgent Genetics
Classification: Uncertain significance for Wilson disease. Last evaluated: 2024-06-12. Review status: criteria provided, single submitter. Criteria: ACMG Guidelines, 2015. Collection method: clinical testing. Allele origin: germline.

Literature cited by the submitters: PubMed 36096368 (cited by Color Diagnostics, LLC DBA Color Health).